The following is an entry in ClinVar:

NM_001009944.3(PKD1):c.12383_12387del (p.Glu4128fs)

Gene: PKD1 (polycystin 1, transient receptor potential channel interacting; minus strand). Cytogenetic location: 16p13.3.
Variant type: Deletion.
Coding change: c.12383_12387del on transcript NM_001009944.3 (MANE Select); coding-DNA positions 12383 to 12387, 5 bases deleted (AGATG; older notation c.12383_12387delAGATG).
Protein change: p.Glu4128fs; shifts the reading frame from glutamic acid 4128.
Molecular consequence: frameshift variant.
Genome position (GRCh38, 1-based): chr16:2,090,342-2,090,346, CATCT deleted on the plus strand (AGATG on the coding strand, the reverse complement: PKD1 is on the minus strand); deleting any 5 consecutive bases within chr16:2,090,342-2,090,347 gives the same sequence; the c. name uses the placement nearest the transcript's 3' end. VCF-style (leftmost placement, unchanged base first): chr16-2090341-CCATCT-C. GRCh37 (hg19) VCF-style: chr16-2140342-CCATCT-C.
Other names: c.12380_12384del, p.Glu4127fs (NM_000296.4); short protein forms E4127fs, E4128fs.
Identifiers: ClinVar variation 1179154 (VCV001179154.2), dbSNP rs2151680679, ClinGen allele CA2499223360.
Genomic context (GRCh38, chr16:2,090,341, plus strand): 5'-CCACCTCCTTGACCTTGCTGAGGCCCATCCAGAGGCGCAGCCTGCGCAGGAACAACTCCA[CCATCT>C]CGTAGTCCTGGGGCTCCCAGGCCGGCCGGTACAGCTCTCCACGCAAGGCGTGGTAGCGCC-3'

ClinVar aggregate classification (germline): Pathogenic (1 of 4 stars; one submission).

Conditions:
Polycystic kidney disease, adult type (PKD1). Also called: POLYCYSTIC KIDNEY DISEASE 1 WITH OR WITHOUT POLYCYSTIC LIVER DISEASE; POLYCYSTIC KIDNEY DISEASE, ADULT, TYPE I; Polycystic Kidney Disease 1, Autosomal Dominant; Polycystic kidney disease 1; Polycystic kidney disease 1, severe; Polycystic Kidney, Autosomal Dominant. Identifiers: MedGen C3149841, MONDO:0008263, OMIM 173900.

Submission:

Fulgent Genetics
Classification: Pathogenic for Polycystic kidney disease, adult type. Last evaluated: 2021-06-30. Review status: criteria provided, single submitter. Criteria: ACMG Guidelines, 2015. Collection method: clinical testing. Allele origin: unknown.
Comment: This variant has been detected in individual(s) who were sent for testing of Renasight - kidney gene panel.